The following is an entry in ClinVar:

ClinVar aggregate classification (germline): Pathogenic (1 of 4 stars; one submission).

Conditions:
Combined immunodeficiency due to LRBA deficiency. Also called: Common variable immunodeficiency 8, with autoimmunity. Identifiers: Orphanet 445018, MedGen C3553512, MONDO:0013863, OMIM 614700.

Allele frequency attached by ClinVar (database versions not stated): gnomAD exomes below 0.00001.
gnomAD v4.1: 3 of 1,613,066 alleles (0.00019%); highest among the groups gnomAD compares: Non-Finnish European, 0.00025%; no homozygotes.

Submission:

Labcorp Genetics (formerly Invitae), Labcorp
Classification: Pathogenic for Combined immunodeficiency due to LRBA deficiency. Last evaluated: 2021-06-12. Review status: criteria provided, single submitter. Criteria: Invitae Variant Classification Sherloc (09022015). Collection method: clinical testing. Allele origin: germline.
Comment: Algorithms developed to predict the effect of sequence changes on RNA splicing suggest that this variant may create or strengthen a splice site, but this prediction has not been confirmed by published transcriptional studies. For these reasons, this variant has been classified as Pathogenic. This variant has not been reported in the literature in individuals with LRBA-related conditions. This variant is not present in population databases (ExAC no frequency). This sequence change creates a premature translational stop signal (p.Trp579*) in the LRBA gene. It is expected to result in an absent or disrupted protein product. Loss-of-function variants in LRBA are known to be pathogenic (PMID: 26206937, 26768763).

Literature cited by the submitters: PubMed 26206937; PubMed 26768763.

NM_001364905.1(LRBA):c.1736G>A (p.Trp579Ter)

Gene: LRBA (LPS responsive beige-like anchor protein; minus strand). Cytogenetic location: 4q31.3.
Variant type: single nucleotide variant.
Coding change: c.1736G>A on transcript NM_001364905.1 (MANE Select); coding-DNA position 1736, G replaced by A.
Protein change: p.Trp579Ter; replaces tryptophan 579 with a stop codon.
Molecular consequence: nonsense.
Genome position (GRCh38, 1-based): chr4:150,905,857, C>T on the plus strand (G>A on the coding strand, the complement: LRBA is on the minus strand). VCF-style: chr4-150905857-C-T. GRCh37 (hg19) VCF-style: chr4-151827009-C-T.
Other names: c.1736G>A, p.Trp579Ter (NM_001199282.3, NM_001367550.1, NM_006726.5); short protein forms W579*.
Identifiers: ClinVar variation 1455821 (VCV001455821.6), dbSNP rs2127154743, ClinGen allele CA358431368.